The following is an entry in ClinVar:

ClinVar aggregate classification (germline): Uncertain significance (1 of 4 stars; one submission).

gnomAD v4.1: 4 of 1,613,236 alleles (0.00025%); highest among the groups gnomAD compares: Non-Finnish European, 0.00025%; no homozygotes.

Submission:

Labcorp Genetics (formerly Invitae), Labcorp
Classification: Uncertain significance. Last evaluated: 2024-10-16. Review status: criteria provided, single submitter. Criteria: Invitae Variant Classification Sherloc (09022015). Collection method: clinical testing. Allele origin: germline.
Comment: This sequence change falls in intron 5 of the CARMIL2 gene. It does not directly change the encoded amino acid sequence of the CARMIL2 protein. It affects a nucleotide within the consensus splice site. This variant is not present in population databases (gnomAD no frequency). This variant has not been reported in the literature in individuals affected with CARMIL2-related conditions. Variants that disrupt the consensus splice site are a relatively common cause of aberrant splicing (PMID: 17576681, 9536098). Algorithms developed to predict the effect of sequence changes on RNA splicing suggest that this variant is not likely to affect RNA splicing. In summary, the available evidence is currently insufficient to determine the role of this variant in disease. Therefore, it has been classified as a Variant of Uncertain Significance.

Literature cited by the submitters: PubMed 17576681; PubMed 9536098.

NM_001013838.3(CARMIL2):c.375-3C>T

Gene: CARMIL2 (capping protein regulator and myosin 1 linker 2; plus strand). Cytogenetic location: 16q22.1.
Variant type: single nucleotide variant.
Coding change: c.375-3C>T on transcript NM_001013838.3 (MANE Select); 3 bases into the intron before coding-DNA position 375, C replaced by T.
Molecular consequence: intron variant.
Genome position (GRCh38, 1-based): chr16:67,646,423, C>T. VCF-style: chr16-67646423-C-T. GRCh37 (hg19) VCF-style: chr16-67680326-C-T.
Other names: c.375-3C>T (NM_001317026.3).
Identifiers: ClinVar variation 3722978 (VCV003722978.2).